The following is an entry in ClinVar:

ClinVar aggregate classification (germline): Uncertain significance. Review status: criteria provided, multiple submitters, no conflicts (2 of 4 stars). 5 submissions from 5 submitters: Uncertain significance (4). 1 of the submissions does not count toward it. Last evaluated 2025-11-06.

Conditions:
Tip-toe gait. Also called: Toe walking. Identifiers: MedGen C0427144, HP:0030051.

Allele frequency attached by ClinVar (database versions not stated): ExAC 0.00003; gnomAD exomes 0.00005; ESP Exome Variant Server 0.00008; TOPMed 0.00008; gnomAD 0.00009 and 0.00010.
gnomAD v4.1: 209 of 1,613,980 alleles (0.013%); highest among the groups gnomAD compares: Non-Finnish European, 0.017%; no homozygotes.

Submissions (5):

GeneDx
Classification: Uncertain significance. Last evaluated: 2025-11-06. Review status: criteria provided, single submitter. Criteria: GeneDx Variant Classification Process June 2021. Collection method: clinical testing. Allele origin: germline.
Comment: Not observed at significant frequency in large population cohorts (gnomAD); In silico analysis suggests that this missense variant does not alter protein structure/function; Has not been previously published as pathogenic or benign to our knowledge

Mayo Clinic Laboratories, Mayo Clinic
Classification: Uncertain significance. Last evaluated: 2025-09-30. Review status: criteria provided, single submitter. Criteria: ACMG Guidelines, 2015. Collection method: clinical testing. Allele origin: germline. Observed: 1 variant allele.

Ambry Genetics
Classification: Uncertain significance. Last evaluated: 2025-04-02. Review status: criteria provided, single submitter. Criteria: Ambry Variant Classification Scheme 2023. Collection method: clinical testing. Allele origin: germline.

Labcorp Genetics (formerly Invitae), Labcorp
Classification: Uncertain significance. Last evaluated: 2022-07-31. Review status: criteria provided, single submitter. Criteria: Invitae Variant Classification Sherloc (09022015). Collection method: clinical testing. Allele origin: germline.
Comment: This sequence change replaces arginine, which is basic and polar, with glycine, which is neutral and non-polar, at codon 1577 of the SBF1 protein (p.Arg1577Gly). This variant is present in population databases (rs200699957, gnomAD 0.01%). This variant has not been reported in the literature in individuals affected with SBF1-related conditions. ClinVar contains an entry for this variant (Variation ID: 1471599). Algorithms developed to predict the effect of missense changes on protein structure and function (SIFT, PolyPhen-2, Align-GVGD) all suggest that this variant is likely to be tolerated. In summary, the available evidence is currently insufficient to determine the role of this variant in disease. Therefore, it has been classified as a Variant of Uncertain Significance.

Practice for Gait Abnormalities, David Pomarino, Competency Network Toe Walking C/o Practice Pomarino
Classification: Likely pathogenic for Tip-toe gait. Last evaluated: 2025-03-14. Review status: flagged submission. Criteria: Pomarino et al. (Glob Med Genet. 2026). Collection method: clinical testing. Allele origin: germline. Affected: yes. Not counted in ClinVar's aggregate classification.
ClinVar note: Notes: This gene has insufficient evidence for isolated tip-toe gait.
ClinVar note: Reason: P/LP classification for a variant in a gene with insufficient evidence for a gene-disease relationship

NM_002972.4(SBF1):c.4729A>G (p.Arg1577Gly)

Gene: SBF1 (SET binding factor 1; minus strand). Cytogenetic location: 22q13.33.
Variant type: single nucleotide variant.
Coding change: c.4729A>G on transcript NM_002972.4 (MANE Select); coding-DNA position 4729, A replaced by G.
Protein change: p.Arg1577Gly; replaces arginine 1577 with glycine.
Molecular consequence: missense variant.
Genome position (GRCh38, 1-based): chr22:50,454,897, T>C on the plus strand (A>G on the coding strand, the complement: SBF1 is on the minus strand). VCF-style: chr22-50454897-T-C. GRCh37 (hg19) VCF-style: chr22-50893326-T-C.
Other names: p.Arg1577Gly; c.4654A>G, p.Arg1552Gly (NM_001365819.1); c.4729A>G (NM_002972.2, NM_002972.3); short protein forms R1577G, R1552G.
Identifiers: ClinVar variation 1471599 (VCV001471599.8), dbSNP rs200699957, ClinGen allele CA10316144.
Genomic context (GRCh38, chr22:50,454,897, plus strand): 5'-TGTAATTGTGGAACACAGGCGTCCTCTTGCTCAGCCGGTCCACATACTCCCACACAGACC[T>C]GCACGGCACCTGGCCCCTGCGTTCCCCCTTCTCCTCATACAGCAGCCCTGCACAGAAGCA-3'
Protein context (NP_002963.2, residues 1567-1587): KGERRGQVPC[Arg1577Gly]SVWEYVDRLS